The following is an entry in ClinVar:

NM_000815.5(GABRD):c.14C>T (p.Ala5Val)

Gene: GABRD (gamma-aminobutyric acid type A receptor subunit delta; plus strand). Cytogenetic location: 1p36.33.
Variant type: single nucleotide variant.
Coding change: c.14C>T on transcript NM_000815.5 (MANE Select); coding-DNA position 14, C replaced by T.
Protein change: p.Ala5Val; replaces alanine 5 with valine.
Molecular consequence: missense variant.
Genome position (GRCh38, 1-based): chr1:2,019,437, C>T. VCF-style: chr1-2019437-C-T. GRCh37 (hg19) VCF-style: chr1-1950876-C-T.
Other names: short protein forms A5V.
Identifiers: ClinVar variation 2098363 (VCV002098363.4), dbSNP rs1207791272, ClinGen allele CA337953590.

ClinVar aggregate classification (germline): Uncertain significance (1 of 4 stars; one submission).

Conditions:
Idiopathic generalized epilepsy. Also called: EIG; Generalised epilepsy. Identifiers: MedGen C0270850, MONDO:0005579, OMIM 600669.

Submission:

Labcorp Genetics (formerly Invitae), Labcorp
Classification: Uncertain significance for Idiopathic generalized epilepsy. Last evaluated: 2026-01-19. Review status: criteria provided, single submitter. Criteria: Invitae Variant Classification Sherloc (09022015). Collection method: clinical testing. Allele origin: germline.
Comment: This sequence change replaces alanine, which is neutral and non-polar, with valine, which is neutral and non-polar, at codon 5 of the GABRD protein (p.Ala5Val). The frequency data for this variant in the population databases is considered unreliable, as metrics indicate insufficient coverage at this position in the gnomAD database. This variant has not been reported in the literature in individuals affected with GABRD-related conditions. ClinVar contains an entry for this variant (Variation ID: 2098363). An algorithm developed to predict the effect of missense changes on protein structure and function outputs the following: PolyPhen-2: "Not Available". The valine amino acid residue is found in multiple mammalian species, which suggests that this missense change does not adversely affect protein function. In summary, the available evidence is currently insufficient to determine the role of this variant in disease. Therefore, it has been classified as a Variant of Uncertain Significance.